The following is an entry in ClinVar:

NM_006031.6(PCNT):c.5751C>T (p.Pro1917=)

Gene: PCNT (pericentrin; plus strand). Cytogenetic location: 21q22.3.
Variant type: single nucleotide variant.
Coding change: c.5751C>T on transcript NM_006031.6 (MANE Select); coding-DNA position 5751, C replaced by T.
Protein change: p.Pro1917=; no amino-acid change (proline 1917 retained).
Molecular consequence: synonymous variant.
Genome position (GRCh38, 1-based): chr21:46,411,824, C>T. VCF-style: chr21-46411824-C-T. GRCh37 (hg19) VCF-style: chr21-47831738-C-T.
Other names: c.5751C>T (NM_006031.5); c.5397C>T, p.Pro1799= (NM_001315529.2).
Identifiers: ClinVar variation 2175053 (VCV002175053.6), dbSNP rs777375146, ClinGen allele CA10080081.
Genomic context (GRCh38, chr21:46,411,824, plus strand): 5'-CTTGGCCCGCATCCGCCGCGCCCTGGAGCAGCAGCCCCTGGCAGCCGGGGCGGCGCCTCC[C>T]GAGCTGCAGTGGCTCCGAGCGCAGTGTGCCCGCCTCAGCCGCCAGCTGCAGGTGCTGCAC-3'
Protein context (NP_006022.3, residues 1907-1927): QQPLAAGAAP[Pro1917=]ELQWLRAQCA

ClinVar aggregate classification (germline): Likely benign. Review status: criteria provided, single submitter (1 of 4 stars). 2 submissions from 2 submitters: Likely benign (1). 1 of the submissions does not count toward it. Last evaluated 2025-07-23.

Conditions:
PCNT-related disorder. Also called: PCNT-related condition.

Allele frequency attached by ClinVar (database versions not stated): gnomAD 0.00007; TOPMed 0.00009.
gnomAD v4.1: 103 of 1,573,566 alleles (0.0065%); highest among the groups gnomAD compares: African/African-American, 0.026%; no homozygotes.

Submissions (2):

Labcorp Genetics (formerly Invitae), Labcorp
Classification: Likely benign. Last evaluated: 2025-07-23. Review status: criteria provided, single submitter. Criteria: Invitae Variant Classification Sherloc (09022015). Collection method: clinical testing. Allele origin: germline.

PreventionGenetics, part of Exact Sciences
Classification: Likely benign for PCNT-related condition. Last evaluated: 2022-07-27. Review status: no assertion criteria provided. Collection method: clinical testing. Allele origin: germline. Not counted in ClinVar's aggregate classification.
Comment: This variant is classified as likely benign based on ACMG/AMP sequence variant interpretation guidelines (Richards et al. 2015 PMID: 25741868, with internal and published modifications).